The following is an entry in ClinVar:

ClinVar aggregate classification (germline): Pathogenic/Likely pathogenic. Review status: criteria provided, multiple submitters, no conflicts (2 of 4 stars). 6 submissions from 6 submitters: Pathogenic (2); Likely pathogenic (2). 2 of the submissions do not count toward it. Last evaluated 2025-11-17.

Conditions:
Developmental and epileptic encephalopathy 116. Identifiers: MedGen C5935615, MONDO:0970945, OMIM 620806.
Glutamine synthetase stabilization disorder.

Submissions (6):

3billion
Classification: Likely pathogenic for Developmental and epileptic encephalopathy 116. Last evaluated: 2025-11-17. Review status: criteria provided, single submitter. Criteria: ACMG Guidelines, 2015. Collection method: clinical testing. Allele origin: germline. Affected: yes.
Comment: The variant is not observed in the gnomAD v4.1.0 dataset. Predicted Consequence/Location: Start-lost: reinitiation of translation may occur at a downstream alternate start codon but still result in a loss or disruption of normal protein function as there have been pathogenic variants reported upstream of the alternate start codon. The variant has been reported at least twice as pathogenic without evidence for the classification (ClinVar ID: VCV001194257 /3billion dataset). Therefore, this variant is classified as Likely pathogenic according to the recommendation of ACMG/AMP guideline.

Variantyx, Inc.
Classification: Pathogenic for Developmental and epileptic encephalopathy 116. Last evaluated: 2025-09-26. Review status: criteria provided, single submitter. Criteria: Variantyx Assertion Criteria 2022. Collection method: clinical testing. Allele origin: de novo. Inheritance: Autosomal dominant inheritance. Affected: yes.
Comment: This is a start-loss variant in the GLUL gene (OMIM: 138290). Pathogenic variants in this gene have been associated with autosomal dominant developmental and epileptic encephalopathy 116. This variant likely occurred de novo in individuals reported in the published literature; however, the possibility of parental germline mosaicism cannot be excluded (PMID: 38579670) (PS2). This variant results in loss of the initiation codon and is expected to result in loss of function, which is a known disease mechanism for GLUL in this disorder (PMID: 38579670) (PVS1). This variant is absent from control populations (PM2). The start-loss p.Met1? variant has been reported in the heterozygous state in at least 10 unrelated affected individual(s) (PMID: 38579670, 36480001, 35982159, 33057194). Based on the current evidence, this variant is classified as pathogenic for autosomal dominant developmental and epileptic encephalopathy 116.

GeneDx
Classification: Pathogenic. Last evaluated: 2024-07-12. Review status: criteria provided, single submitter. Criteria: GeneDx Variant Classification Process June 2021. Collection method: clinical testing. Allele origin: germline. Affected: yes.
Comment: Initiation codon variant in a gene for which loss of function is not a known mechanism of disease; Not observed at significant frequency in large population cohorts (gnomAD); This variant is associated with the following publications: (PMID: 36480001, 38579670, 33057194, 35982159)

Equipe Genetique des Anomalies du Developpement, Université de Bourgogne
Classification: Likely pathogenic for Developmental and epileptic encephalopathy 116. Last evaluated: 2024-04-24. Review status: criteria provided, single submitter. Criteria: ACMG Guidelines, 2015. Collection method: clinical testing. Allele origin: de novo. Affected: yes.
Comment: Initiation codon variants in GLUL have been linked to an autosomal dominant form of developmental and epileptic encephalopathy (OMIM #620806)(PMID : 38579670). This variant is not present in population database gnomAD (v4.0.0). In ClinVar, it was reported twice as pathogenic and once as likely pathogenic. Based on the evidence outlined above, the variant was classified as likely pathogenic.

OMIM
Classification: Pathogenic for DEVELOPMENTAL AND EPILEPTIC ENCEPHALOPATHY 116. Last evaluated: 2026-04-02. Review status: no assertion criteria provided. Collection method: literature only. Allele origin: germline. Not counted in ClinVar's aggregate classification.

Women's and Children's Health, University of Otago
Classification: Likely pathogenic for Glutamine synthetase stabilization disorder. Last evaluated: 2023-12-01. Review status: no assertion criteria provided. Collection method: clinical testing. Allele origin: de novo. Affected: yes. Not counted in ClinVar's aggregate classification.

Literature cited by the submitters: PubMed 38579670 (cited by 3 submitters).

NM_001033044.4(GLUL):c.1A>G (p.Met1Val)

Gene: GLUL (glutamate-ammonia ligase; minus strand). Cytogenetic location: 1q25.3.
Variant type: single nucleotide variant.
Coding change: c.1A>G on transcript NM_001033044.4 (MANE Select); coding-DNA position 1, A replaced by G.
Protein change: p.Met1Val; changes the start codon (methionine 1).
Molecular consequence: missense variant, initiator codon variant.
Genome position (GRCh38, 1-based): chr1:182,388,737, T>C on the plus strand (A>G on the coding strand, the complement: GLUL is on the minus strand). VCF-style: chr1-182388737-T-C. GRCh37 (hg19) VCF-style: chr1-182357872-T-C.
Other names: c.1A>G, p.Met1Val (NM_001033056.4, NM_002065.7); short protein forms M1V.
Identifiers: ClinVar variation 1194257 (VCV001194257.10), dbSNP rs1131691970, ClinGen allele CA343630365.